The following is an entry in ClinVar:

ClinVar aggregate classification (germline): Uncertain significance (1 of 4 stars; one submission).

gnomAD v4.1: 37 of 1,611,780 alleles (0.0023%); highest among the groups gnomAD compares: Admixed American, 0.038%; no homozygotes.

Submission:

Labcorp Genetics (formerly Invitae), Labcorp
Classification: Uncertain significance. Last evaluated: 2025-04-24. Review status: criteria provided, single submitter. Criteria: Invitae Variant Classification Sherloc (09022015). Collection method: clinical testing. Allele origin: germline.
Comment: This sequence change replaces arginine, which is basic and polar, with cysteine, which is neutral and slightly polar, at codon 32 of the C5 protein (p.Arg32Cys). This variant is present in population databases (no rsID available, gnomAD 0.02%). This variant has not been reported in the literature in individuals affected with C5-related conditions. Invitae Evidence Modeling of protein sequence and biophysical properties (such as structural, functional, and spatial information, amino acid conservation, physicochemical variation, residue mobility, and thermodynamic stability) indicates that this missense variant is expected to disrupt C5 protein function with a positive predictive value of 80%. In summary, the available evidence is currently insufficient to determine the role of this variant in disease. Therefore, it has been classified as a Variant of Uncertain Significance.

NM_001735.3(C5):c.94C>T (p.Arg32Cys)

Gene: C5 (complement C5; minus strand). Cytogenetic location: 9q33.2.
Variant type: single nucleotide variant.
Coding change: c.94C>T on transcript NM_001735.3 (MANE Select); coding-DNA position 94, C replaced by T.
Protein change: p.Arg32Cys; replaces arginine 32 with cysteine.
Molecular consequence: missense variant.
Genome position (GRCh38, 1-based): chr9:121,046,355, G>A on the plus strand (C>T on the coding strand, the complement: C5 is on the minus strand). VCF-style: chr9-121046355-G-A. GRCh37 (hg19) VCF-style: chr9-123808633-G-A.
Other names: c.112C>T, p.Arg38Cys (NM_001317163.2); c.94C>T, p.Arg32Cys (NM_001317164.2); short protein forms R32C, R38C.
Identifiers: ClinVar variation 4705662 (VCV004705662.1).